The following is an entry in ClinVar:

NM_005633.4(SOS1):c.508A>G (p.Lys170Glu)

Gene: SOS1 (SOS Ras/Rac guanine nucleotide exchange factor 1; minus strand). Cytogenetic location: 2p22.1.
Variant type: single nucleotide variant.
Coding change: c.508A>G on transcript NM_005633.4 (MANE Select); coding-DNA position 508, A replaced by G.
Protein change: p.Lys170Glu; replaces lysine 170 with glutamic acid.
Molecular consequence: missense variant.
Genome position (GRCh38, 1-based): chr2:39,056,704, T>C on the plus strand (A>G on the coding strand, the complement: SOS1 is on the minus strand). VCF-style: chr2-39056704-T-C. GRCh37 (hg19) VCF-style: chr2-39283845-T-C.
Other names: p.K170E:AAG>GAG; NM_005633.3(SOS1):c.508A>G; c.508A>G (LRG_754t1); c.487A>G, p.Lys163Glu (NM_001382394.1); c.508A>G, p.Lys170Glu (NM_001382395.1); short protein forms K170E, K163E.
Identifiers: ClinVar variation 40651 (VCV000040651.56), dbSNP rs397517172, ClinGen allele CA235342.

ClinVar aggregate classification (germline): Pathogenic. Review status: reviewed by expert panel (3 of 4 stars). 25 submissions from 25 submitters: Pathogenic (1). 24 of the submissions do not count toward it. Last evaluated 2017-04-03.

Conditions:
Cardiovascular phenotype. Identifiers: MedGen CN230736.
SOS1-related disorder. Also called: SOS1-related condition.
Noonan syndrome (NS). Also called: Noonan's syndrome. Identifiers: Orphanet 648, MedGen C0028326, MeSH D009634, MONDO:0018997. Disease mechanism: gain of function.
RASopathy. Also called: rasopathies; Noonan spectrum disorder. Identifiers: Orphanet 536391, MedGen C5555857, MONDO:0021060.
Noonan syndrome 4 (NS4). Also called: SOS1-Related Noonan Syndrome; NOONAN SYNDROME WITH PIGMENTED VILLONODULAR SYNOVITIS. Identifiers: Orphanet 648, MedGen C1853120, MONDO:0012547, OMIM 610733.
Neonatal hypotonia. Identifiers: MedGen C2267233, HP:0001319.

Submissions 1 to 11 of 25:

ClinGen RASopathy Variant Curation Expert Panel
Classification: Pathogenic for Noonan syndrome. Last evaluated: 2017-04-03. Review status: reviewed by expert panel. Criteria: ClinGen RASopathy ACMG Specifications v1. Collection method: curation. Allele origin: germline. Inheritance: Autosomal dominant inheritance.
Comment: The c.508A>G (p.Lys170Glu) variant in SOS1 has been reported in the literature as an unconfirmed de novo occurrence in a patient with clinical features of a RASopathy (PM6; PMID 19020799, 21387466). In vitro functional studies provide some evidence that the p.Lys170Glu variant may impact protein function (PS3; PMID 21784453, 23487764). This variant was absent from large population studies (PM2; ExAC). The variant is located in the SOS1 gene, which has been defined by the ClinGen RASopathy Expert Panel as a gene with a low rate of benign missense variants and pathogenic missense variants are common (PP2; PMID: 29493581). Furthermore, the variant is in a location that has been defined by the ClinGen RASopathy Expert Panel to be a mutational hotspot or domain of SOS1 (PM1; PMID 29493581). Computational prediction tools and conservation analysis suggest that the p.Lys170Glu variant may impact the protein (PP3). In summary, this variant meets criteria to be classified as pathogenic for RASopathies in an autosomal dominant manner. Rasopathy-specific ACMG/AMP criteria applied (PMID:29493581): PP2, PP3, PM1, PM2, PM6, PS3.

Victorian Clinical Genetics Services, Murdoch Childrens Research Institute
Classification: Pathogenic for Noonan syndrome 4. Last evaluated: 2026-06-09. Review status: criteria provided, single submitter. Criteria: ACMG Guidelines, 2015. Collection method: clinical testing. Allele origin: germline. Affected: yes. Not counted in ClinVar's aggregate classification.
Comment: This variant is classified as Pathogenic. Evidence in support of pathogenic classification: Variant is absent from gnomAD (v2, v3 and v4); This variant has strong previous evidence of pathogenicity in unrelated individuals. This variant has been classified as pathogenic for Noonan syndrome by the ClinGen RASopathy Variant Curation Expert Panel (ClinVar); Missense variant predicted to be damaging by in silico tool(s) or highly conserved with a major amino acid change; Additional information: Variant is predicted to result in a missense amino acid change from Lys to Glu; This variant is heterozygous; This gene is associated with autosomal dominant disease; Gain of function is a known mechanism of disease in this gene and is associated with Noonan syndrome 4 (MIM#610733) (PMID: 17143285).

Labcorp Genetics (formerly Invitae), Labcorp
Classification: Pathogenic for RASopathy. Last evaluated: 2026-01-26. Review status: criteria provided, single submitter. Criteria: Invitae Variant Classification Sherloc (09022015). Collection method: clinical testing. Allele origin: germline. Not counted in ClinVar's aggregate classification.
Comment: This sequence change replaces lysine, which is basic and polar, with glutamic acid, which is acidic and polar, at codon 170 of the SOS1 protein (p.Lys170Glu). This variant is not present in population databases (gnomAD no frequency). This missense change has been observed in individual(s) with Noonan syndrome (PMID: 19020799, 19953625, 21387466). In at least one individual the variant was observed to be de novo. ClinVar contains an entry for this variant (Variation ID: 40651). An algorithm developed to predict the effect of missense changes on protein structure and function (PolyPhen-2) suggests that this variant is likely to be disruptive. Experimental studies have shown that this missense change affects SOS1 function (PMID: 21784453). For these reasons, this variant has been classified as Pathogenic.

3billion
Classification: Pathogenic for Noonan syndrome 4. Last evaluated: 2025-12-30. Review status: criteria provided, single submitter. Criteria: ACMG Guidelines, 2015. Collection method: clinical testing. Allele origin: germline. Affected: yes. Not counted in ClinVar's aggregate classification.
Comment: The variant is not observed in the gnomAD v4.1.0 dataset. Predicted Consequence/Location: Missense variant. Missense changes are a common disease-causing mechanism. Functional studies provide strong evidence of the variant having a damaging effect on the gene or gene product (PMID: 21784453, 23487764). In silico tool predictions suggest damaging effect of the variant on gene or gene product [REVEL: 0.88 (>=0.6, sensitivity 0.68 and specificity 0.92)]. The same nucleotide change resulting in the same amino acid change has been previously reported as pathogenic/likely pathogenic with strong evidence (ClinVar ID: VCV000040651 /PMID: 19020799 /3billion dataset). The variant has been previously reported as assumed (i.e. paternity and maternity not confirmed) de novo in at least one similarly affected unrelated individual (PMID: 19020799, 21387466). Therefore, this variant is classified as Pathogenic according to the recommendation of ACMG/AMP guideline.

CeGaT Center for Human Genetics Tuebingen
Classification: Pathogenic. Last evaluated: 2025-09-01. Review status: criteria provided, single submitter. Criteria: CeGaT Center For Human Genetics Tuebingen Variant Classification Criteria Version 2. Collection method: clinical testing. Allele origin: germline. Affected: yes. Observed: 1 variant allele. Not counted in ClinVar's aggregate classification.
Comment: SOS1: PS2, PS4, PM2, PS3:Supporting

GeneDx
Classification: Pathogenic. Last evaluated: 2025-03-18. Review status: criteria provided, single submitter. Criteria: GeneDx Variant Classification Process June 2021. Collection method: clinical testing. Allele origin: germline. Affected: yes. Not counted in ClinVar's aggregate classification.
Comment: Published functional studies demonstrate enhanced activity of the Ras-MAPK pathway (PMID: 21784453, 23487764); Not observed at significant frequency in large population cohorts (gnomAD); Missense variants in this gene are often considered pathogenic (HGMD); In silico analysis supports that this missense variant has a deleterious effect on protein structure/function; This variant is associated with the following publications: (PMID: 21387466, 19020799, 21784453, 24803665, 26918529, 34008892, 32333414, 35986401, 34643321, 35979676, 34163525, 29493581, 35770001, 35188046, 33677855, 33057194, 35982159, 23487764)

Genomic Medicine Lab, University of California San Francisco
Classification: Pathogenic for Noonan syndrome 4. Last evaluated: 2023-04-21. Review status: criteria provided, single submitter. Criteria: ACMG Guidelines, 2015. Collection method: clinical testing. Allele origin: de novo. Affected: yes. Not counted in ClinVar's aggregate classification.

Institute for Medical Genetics and Human Genetics, Charité - Universitätsmedizin Berlin
Classification: Pathogenic for Noonan syndrome 4. Last evaluated: 2022-09-22. Review status: criteria provided, single submitter. Criteria: ACMG Guidelines, 2015. Collection method: clinical testing. Allele origin: germline. Inheritance: Autosomal dominant inheritance. Affected: yes. Observed: 1 heterozygote. Not counted in ClinVar's aggregate classification.

Laboratorio de Genetica e Diagnostico Molecular, Hospital Israelita Albert Einstein
Classification: Pathogenic for Noonan syndrome 4. Last evaluated: 2022-06-07. Review status: criteria provided, single submitter. Criteria: ACMG Guidelines, 2015. Collection method: clinical testing. Allele origin: germline. Affected: yes. Observed: 1 variant allele. Not counted in ClinVar's aggregate classification.
Comment: ACMG classification criteria: PS3 strong, PM1 moderated, PM2 moderated, PM6 moderated, PP2 supporting, PP3 supporting

Clinical Genetics Laboratory, Skane University Hospital Lund
Classification: Pathogenic. Last evaluated: 2022-05-27. Review status: criteria provided, single submitter. Criteria: ACMG Guidelines, 2015. Collection method: clinical testing. Allele origin: germline. Affected: yes. Not counted in ClinVar's aggregate classification.

Institute for Clinical Genetics, University Hospital TU Dresden, University Hospital TU Dresden
Classification: Pathogenic. Last evaluated: 2022-04-05. Review status: criteria provided, single submitter. Criteria: ACMG Guidelines, 2015. Collection method: clinical testing. Allele origin: germline. Not counted in ClinVar's aggregate classification.
Comment: PM1, PS3, PM6, PP3, PP2, PM2_SUP